The following is an entry in ClinVar:

NM_000551.4(VHL):c.561T>C (p.Asp187=)

Genes: VHL (von Hippel-Lindau tumor suppressor; plus strand), LOC107303340 (3p25 von Hippel-Lindau tumor suppressor, E3 ubiquitin protein ligase Alu-mediated recombination region; plus strand). Cytogenetic location: 3p25.3.
Variant type: single nucleotide variant.
Coding change: c.561T>C on transcript NM_000551.4 (MANE Select); coding-DNA position 561, T replaced by C.
Protein change: p.Asp187=; no amino-acid change (aspartic acid 187 retained).
Molecular consequence: synonymous variant. On other transcripts: 3 prime UTR variant (1).
Genome position (GRCh38, 1-based): chr3:10,149,884, T>C. VCF-style: chr3-10149884-T-C. GRCh37 (hg19) VCF-style: chr3-10191568-T-C.
Other names: c.*115T>C (NM_001354723.2); c.438T>C, p.Asp146= (NM_198156.3).
Identifiers: ClinVar variation 416993 (VCV000416993.29), dbSNP rs370769257, ClinGen allele CA041631.
Genomic context (GRCh38, chr3:10,149,884, plus strand): 5'-GAGCCTAGTCAAGCCTGAGAATTACAGGAGACTGGACATCGTCAGGTCGCTCTACGAAGA[T>C]CTGGAAGACCACCCAAATGTGCAGAAAGACCTGGAGCGGCTGACACAGGAGCGCATTGCA-3'
Protein context (NP_000542.1, residues 177-197): RLDIVRSLYE[Asp187=]LEDHPNVQKD

ClinVar aggregate classification (germline): Benign/Likely benign. Review status: criteria provided, multiple submitters, no conflicts (2 of 4 stars). 7 submissions from 7 submitters: Benign (1); Likely benign (6). Last evaluated 2025-09-28.

Conditions:
Hereditary cancer-predisposing syndrome. Also called: Tumor predisposition; Hereditary neoplastic syndrome; Hereditary Cancer Syndrome; Neoplastic Syndromes, Hereditary. Identifiers: Orphanet 140162, MedGen C0027672, MeSH D009386, MONDO:0015356.
Von Hippel-Lindau syndrome (VHLS). Also called: von Hippel–Lindau syndrome; VHL syndrome; Von Hippel-Lindau. Identifiers: Orphanet 892, MedGen C0019562, MONDO:0008667, OMIM 193300. Disease mechanism: loss of function.
Chuvash polycythemia. Also called: POLYCYTHEMIA, VHL-DEPENDENT. Identifiers: Orphanet 238557, MedGen C1837915, MONDO:0009892, OMIM 263400.

Allele frequency attached by ClinVar (database versions not stated): gnomAD 0.00001; gnomAD exomes 0.00001; ExAC 0.00002; TOPMed 0.00002; ESP Exome Variant Server 0.00008.
gnomAD v4.1: 17 of 1,614,034 alleles (0.0011%); highest among the groups gnomAD compares: Admixed American, 0.0017%; no homozygotes.

Submissions (7):

Labcorp Genetics (formerly Invitae), Labcorp
Classification: Likely benign for Von Hippel-Lindau syndrome; Chuvash polycythemia. Last evaluated: 2025-09-28. Review status: criteria provided, single submitter. Criteria: Invitae Variant Classification Sherloc (09022015). Collection method: clinical testing. Allele origin: germline.

Myriad Genetics, Inc.
Classification: Benign for Von Hippel-Lindau syndrome. Last evaluated: 2025-06-13. Review status: criteria provided, single submitter. Criteria: Myriad Autosomal Dominant, Autosomal Recessive and X-Linked Classification Criteria (2023). Collection method: clinical testing. Allele origin: unknown.
Comment: This variant is considered benign. This variant is a silent/synonymous amino acid change and it is not expected to impact splicing.

CeGaT Center for Human Genetics Tuebingen
Classification: Likely benign. Last evaluated: 2025-06-01. Review status: criteria provided, single submitter. Criteria: CeGaT Center For Human Genetics Tuebingen Variant Classification Criteria Version 2. Collection method: clinical testing. Allele origin: germline. Affected: yes. Observed: 1 variant allele.
Comment: VHL: BP4, BP7

All of Us Research Program, National Institutes of Health
Classification: Likely benign for Von Hippel-Lindau syndrome. Last evaluated: 2023-04-27. Review status: criteria provided, single submitter. Criteria: ACMG Guidelines, 2015. Collection method: clinical testing. Allele origin: germline. Inheritance: Autosomal dominant inheritance. Observed: 2 variant alleles, 2 heterozygotes.
Comment: This study involves interpretation of variants in research participants for the purpose of population health screening. Participant phenotype was not available at the time of variant classification. Additional details can be found in publication PMID: 35346344, PMCID: PMC8962531

Color Diagnostics, LLC DBA Color Health
Classification: Likely benign for Von Hippel-Lindau syndrome. Last evaluated: 2022-04-27. Review status: criteria provided, single submitter. Criteria: ACMG Guidelines, 2015. Collection method: clinical testing. Allele origin: germline.

Ambry Genetics
Classification: Likely benign for Hereditary cancer-predisposing syndrome. Last evaluated: 2018-11-26. Review status: criteria provided, single submitter. Criteria: Ambry Variant Classification Scheme 2023. Collection method: clinical testing. Allele origin: germline.

GeneDx
Classification: Likely benign. Last evaluated: 2017-08-23. Review status: criteria provided, single submitter. Criteria: GeneDx Variant Classification (06012015). Collection method: clinical testing. Allele origin: germline. Affected: yes.
Comment: This variant is considered likely benign or benign based on one or more of the following criteria: it is a conservative change, it occurs at a poorly conserved position in the protein, it is predicted to be benign by multiple in silico algorithms, and/or has population frequency not consistent with disease.